The following is an entry in ClinVar:

ClinVar aggregate classification (germline): Uncertain significance. Review status: criteria provided, multiple submitters, no conflicts (2 of 4 stars). 2 submissions from 2 submitters: Uncertain significance (2). Last evaluated 2025-03-11.

Conditions:
Inborn genetic diseases. Identifiers: MedGen C0950123, MeSH D030342.
3-methylglutaconic aciduria with deafness, encephalopathy, and Leigh-like syndrome (MEGDEL). Also called: 3-METHYLGLUTACONIC ACIDURIA, TYPE VI; SERAC1 Deficiency; MEGDEL syndrome. Identifiers: Orphanet 352328, MedGen C4040739, MONDO:0013875, OMIM 614739.

Allele frequency attached by ClinVar (database versions not stated): ExAC 0.00003; gnomAD exomes 0.00004.
gnomAD v4.1: 15 of 1,613,200 alleles (0.00093%); highest among the groups gnomAD compares: South Asian, 0.014%; no homozygotes.

Submissions (2):

Ambry Genetics
Classification: Uncertain significance for Inborn genetic diseases. Last evaluated: 2025-03-11. Review status: criteria provided, single submitter. Criteria: Ambry Variant Classification Scheme 2023. Collection method: clinical testing. Allele origin: germline.

Labcorp Genetics (formerly Invitae), Labcorp
Classification: Uncertain significance for 3-methylglutaconic aciduria with deafness, encephalopathy, and Leigh-like syndrome. Last evaluated: 2022-03-02. Review status: criteria provided, single submitter. Criteria: Invitae Variant Classification Sherloc (09022015). Collection method: clinical testing. Allele origin: germline.
Comment: In summary, the available evidence is currently insufficient to determine the role of this variant in disease. Therefore, it has been classified as a Variant of Uncertain Significance. Algorithms developed to predict the effect of missense changes on protein structure and function output the following: SIFT: "Tolerated"; PolyPhen-2: "Benign"; Align-GVGD: "Class C0". The arginine amino acid residue is found in multiple mammalian species, which suggests that this missense change does not adversely affect protein function. This variant has not been reported in the literature in individuals affected with SERAC1-related conditions. This variant is present in population databases (rs754908475, gnomAD 0.03%). This sequence change replaces serine, which is neutral and polar, with arginine, which is basic and polar, at codon 23 of the SERAC1 protein (p.Ser23Arg).

NM_032861.4(SERAC1):c.69T>G (p.Ser23Arg)

Gene: SERAC1 (serine active site containing 1; minus strand). Cytogenetic location: 6q25.3.
Variant type: single nucleotide variant.
Coding change: c.69T>G on transcript NM_032861.4 (MANE Select); coding-DNA position 69, T replaced by G.
Protein change: p.Ser23Arg; replaces serine 23 with arginine.
Molecular consequence: missense variant. On other transcripts: non-coding transcript variant (1).
Genome position (GRCh38, 1-based): chr6:158,158,295, A>C on the plus strand (T>G on the coding strand, the complement: SERAC1 is on the minus strand). VCF-style: chr6-158158295-A-C. GRCh37 (hg19) VCF-style: chr6-158579327-A-C.
Other names: c.69T>G (NM_032861.3); short protein forms S23R.
Identifiers: ClinVar variation 1365515 (VCV001365515.7), dbSNP rs754908475, ClinGen allele CA4071484.